The following is an entry in ClinVar:

ClinVar aggregate classification (germline): Likely benign. Review status: criteria provided, multiple submitters, no conflicts (2 of 4 stars). 2 submissions from 2 submitters: Likely benign (2). Last evaluated 2025-10-15.

Conditions:
Early-infantile DEE. Also called: Ohtahara syndrome; Early infantile epileptic encephalopathy with suppression bursts; Early infantile epileptic encephalopathy. Identifiers: Orphanet 1934, MedGen C0393706, MONDO:0800491.

Allele frequency attached by ClinVar (database versions not stated): gnomAD 0.00006; TOPMed 0.00006; ExAC 0.00007; gnomAD exomes 0.00007.
gnomAD v4.1: 81 of 1,611,376 alleles (0.005%); highest among the groups gnomAD compares: Non-Finnish European, 0.0058%; no homozygotes.

Submissions (2):

Labcorp Genetics (formerly Invitae), Labcorp
Classification: Likely benign for Early-infantile DEE. Last evaluated: 2025-10-15. Review status: criteria provided, single submitter. Criteria: Invitae Variant Classification Sherloc (09022015). Collection method: clinical testing. Allele origin: germline.

CeGaT Center for Human Genetics Tuebingen
Classification: Likely benign. Last evaluated: 2024-09-01. Review status: criteria provided, single submitter. Criteria: CeGaT Center For Human Genetics Tuebingen Variant Classification Criteria Version 2. Collection method: clinical testing. Allele origin: germline. Affected: yes. Observed: 1 variant allele.
Comment: CACNA2D2: BP4, BP7

NM_006030.4(CACNA2D2):c.3219G>C (p.Pro1073=)

Genes: CACNA2D2 (calcium voltage-gated channel auxiliary subunit alpha2delta 2; minus strand), LOC127898564 (CYB561D2-LOC101928965; plus strand). Cytogenetic location: 3p21.31.
Variant type: single nucleotide variant.
Coding change: c.3219G>C on transcript NM_006030.4 (MANE Select); coding-DNA position 3219, G replaced by C.
Protein change: p.Pro1073=; no amino-acid change (proline 1073 retained).
Molecular consequence: synonymous variant.
Genome position (GRCh38, 1-based): chr3:50,364,960, C>G on the plus strand (G>C on the coding strand, the complement: CACNA2D2 is on the minus strand). VCF-style: chr3-50364960-C-G. GRCh37 (hg19) VCF-style: chr3-50402391-C-G.
Other names: c.3225G>C, p.Pro1075= (NM_001005505.3); c.3240G>C, p.Pro1080= (NM_001174051.3); c.3018G>C, p.Pro1006= (NM_001291101.1).
Identifiers: ClinVar variation 697108 (VCV000697108.24), dbSNP rs763919174, ClinGen allele CA2418152.